The following is an entry in ClinVar:

NM_031935.3(HMCN1):c.8815G>A (p.Gly2939Ser)

Gene: HMCN1 (hemicentin 1; plus strand). Cytogenetic location: 1q31.1.
Variant type: single nucleotide variant.
Coding change: c.8815G>A on transcript NM_031935.3 (MANE Select); coding-DNA position 8815, G replaced by A.
Protein change: p.Gly2939Ser; replaces glycine 2939 with serine.
Molecular consequence: missense variant.
Genome position (GRCh38, 1-based): chr1:186,082,892, G>A. VCF-style: chr1-186082892-G-A. GRCh37 (hg19) VCF-style: chr1-186052024-G-A.
Other names: short protein forms G2939S.
Identifiers: ClinVar variation 96210 (VCV000096210.22), dbSNP rs74967568, ClinGen allele CA149364.

ClinVar aggregate classification (germline): Benign/Likely benign. Review status: criteria provided, multiple submitters, no conflicts (2 of 4 stars). 7 submissions from 7 submitters: Benign (2); Likely benign (3). 2 of the submissions do not count toward it. Last evaluated 2026-02-01.

Conditions:
Age related macular degeneration 1 (ARMD1). Also called: MACULOPATHY, AGE-RELATED, 1. Identifiers: MedGen C1864205, MONDO:0011285, OMIM 603075.

Allele frequency attached by ClinVar (database versions not stated): ESP Exome Variant Server 0.00630; gnomAD 0.00655 and 0.00644; ExAC 0.00696; 1000 Genomes Project 30x 0.00609; TOPMed 0.00671; gnomAD exomes 0.00691 and 0.00758; 1000 Genomes Project 0.00579.
gnomAD v4.1: 11,920 of 1,584,234 alleles (0.75%); highest among the groups gnomAD compares: Middle Eastern, 3.4%; 73 homozygotes.

Submissions (7):

Labcorp Genetics (formerly Invitae), Labcorp
Classification: Benign. Last evaluated: 2026-02-01. Review status: criteria provided, single submitter. Criteria: Invitae Variant Classification Sherloc (09022015). Collection method: clinical testing. Allele origin: germline.

Genome-Nilou Lab
Classification: Likely benign for Age related macular degeneration 1. Last evaluated: 2023-04-11. Review status: criteria provided, single submitter. Criteria: ACMG Guidelines, 2015. Collection method: clinical testing. Allele origin: germline. Affected: no.

Illumina Laboratory Services, Illumina
Classification: Likely benign for Age related macular degeneration 1. Last evaluated: 2018-01-13. Review status: criteria provided, single submitter. Criteria: ICSL Variant Classification Criteria 13 December 2019. Collection method: clinical testing. Allele origin: germline.
Comment: This variant was observed in the ICSL laboratory as part of a predisposition screen in an ostensibly healthy population. It had not been previously curated by ICSL or reported in the Human Gene Mutation Database (HGMD: prior to June 1st, 2018), and was therefore a candidate for classification through an automated scoring system. Utilizing variant allele frequency, disease prevalence and penetrance estimates, and inheritance mode, an automated score was calculated to assess if this variant is too frequent to cause the disease. Based on the score and internal cut-off values, a variant classified as likely benign is not then subjected to further curation. The score for this variant resulted in a classification of likely benign for this disease.

Eurofins Ntd Llc (ga)
Classification: Benign. Last evaluated: 2013-08-09. Review status: criteria provided, single submitter. Criteria: EGL Classification Definitions 2015. Collection method: clinical testing. Allele origin: germline. Observed: 1 variant allele, 1 heterozygote.

Breakthrough Genomics
Classification: Likely benign. Review status: criteria provided, single submitter. Criteria: ACMG Guidelines, 2015. Collection method: not provided. Allele origin: germline. Inheritance: Autosomal dominant inheritance. Affected: yes.

Clinical Genetics DNA and cytogenetics Diagnostics Lab, Erasmus MC, Erasmus Medical Center
Classification: Likely benign. Review status: no assertion criteria provided. Collection method: clinical testing. Allele origin: germline. Affected: yes. Study: VKGL Data-share Consensus. Not counted in ClinVar's aggregate classification.

Laboratory of Diagnostic Genome Analysis, Leiden University Medical Center (LUMC)
Classification: Likely benign. Review status: no assertion criteria provided. Collection method: clinical testing. Allele origin: germline. Affected: yes. Study: VKGL Data-share Consensus. Not counted in ClinVar's aggregate classification.